The following is an entry in ClinVar:

NM_000432.4(MYL2):c.436G>C (p.Val146Leu)

Gene: MYL2 (myosin light chain 2; minus strand). Cytogenetic location: 12q24.11.
Variant type: single nucleotide variant.
Coding change: c.436G>C on transcript NM_000432.4 (MANE Select); coding-DNA position 436, G replaced by C.
Protein change: p.Val146Leu; replaces valine 146 with leucine.
Molecular consequence: missense variant.
Genome position (GRCh38, 1-based): chr12:110,911,142, C>G on the plus strand (G>C on the coding strand, the complement: MYL2 is on the minus strand). VCF-style: chr12-110911142-C-G. GRCh37 (hg19) VCF-style: chr12-111348946-C-G.
Other names: c.394G>C, p.Val132Leu (NM_001406745.1, NM_001406746.1); c.379G>C, p.Val127Leu (NM_001406916.1); short protein forms V132L, V127L, V146L.
Identifiers: ClinVar variation 2094680 (VCV002094680.4), dbSNP rs370075755, ClinGen allele CA386696900.
Genomic context (GRCh38, chr12:110,911,142, plus strand): 5'-CCTTCTCTTCTCCGTGGGTGATGATGTGCACCAGGTTCTTGTAGTCCAAGTTGCCAGTCA[C>G]GTCAGGGGGGAAGGCGGCGAACATCTGGTCAACCTGCAATGAGCCAGCAACACGTGCTAA-3'
Protein context (NP_000423.2, residues 136-156): DQMFAAFPPD[Val146Leu]TGNLDYKNLV

ClinVar aggregate classification (germline): Uncertain significance (1 of 4 stars; one submission).

Conditions:
Hypertrophic cardiomyopathy 10. Also called: CARDIOMYOPATHY, HYPERTROPHIC, MID-LEFT VENTRICULAR CHAMBER TYPE, 2; MYL2-Related Familial Hypertrophic Cardiomyopathy. Identifiers: MedGen C1834460, MONDO:0012112, OMIM 608758.

Submission:

Labcorp Genetics (formerly Invitae), Labcorp
Classification: Uncertain significance for Hypertrophic cardiomyopathy 10. Last evaluated: 2024-02-24. Review status: criteria provided, single submitter. Criteria: Invitae Variant Classification Sherloc (09022015). Collection method: clinical testing. Allele origin: germline.
Comment: This sequence change replaces valine, which is neutral and non-polar, with leucine, which is neutral and non-polar, at codon 146 of the MYL2 protein (p.Val146Leu). This variant is not present in population databases (gnomAD no frequency). This variant has not been reported in the literature in individuals affected with MYL2-related conditions. ClinVar contains an entry for this variant (Variation ID: 2094680). An algorithm developed to predict the effect of missense changes on protein structure and function (PolyPhen-2) suggests that this variant is likely to be tolerated. In summary, the available evidence is currently insufficient to determine the role of this variant in disease. Therefore, it has been classified as a Variant of Uncertain Significance.